The following is an entry in ClinVar:

NM_001164508.2(NEB):c.6496-3T>C

Gene: NEB (nebulin; minus strand). Cytogenetic location: 2q23.3.
Variant type: single nucleotide variant.
Coding change: c.6496-3T>C on transcript NM_001164508.2 (MANE Select); 3 bases into the intron before coding-DNA position 6496, T replaced by C.
Molecular consequence: intron variant.
Genome position (GRCh38, 1-based): chr2:151,656,026, A>G on the plus strand (T>C on the coding strand, the complement: NEB is on the minus strand). VCF-style: chr2-151656026-A-G. GRCh37 (hg19) VCF-style: chr2-152512540-A-G.
Other names: c.6496-3T>C (NM_004543.5, NM_001164507.2, NM_001271208.2).
Identifiers: ClinVar variation 3345087 (VCV003345087.1).
Genomic context (GRCh38, chr2:151,656,026, plus strand): 5'-CTGCTGGACTCCAGCCAAGCCCTTTGTACCATTCATTGTAATCTTGCTTATATTCATTCT[A>G]TAAAGAAGATAAGCAAATTCTACTTTATCTTATCCATTTAGACACAAACCATGGCATGTA-3'

ClinVar aggregate classification (germline): Likely benign (0 of 4 stars; one submission).

Conditions:
NEB-related disorder. Also called: NEB-related condition; NEB-Related Disorders.

Submission:

PreventionGenetics, part of Exact Sciences
Classification: Likely benign for NEB-related condition. Last evaluated: 2024-09-04. Review status: no assertion criteria provided. Collection method: clinical testing. Allele origin: germline.
Comment: This variant is classified as likely benign based on ACMG/AMP sequence variant interpretation guidelines (Richards et al. 2015 PMID: 25741868, with internal and published modifications).